The following is an entry in ClinVar:

ClinVar aggregate classification (germline): Uncertain significance. Review status: criteria provided, multiple submitters, no conflicts (2 of 4 stars). 2 submissions from 2 submitters: Uncertain significance (2). Last evaluated 2025-10-09.

gnomAD v4.1: 37 of 1,614,128 alleles (0.0023%); highest among the groups gnomAD compares: African/African-American, 0.048%; no homozygotes.

Submissions (2):

Labcorp Genetics (formerly Invitae), Labcorp
Classification: Uncertain significance. Last evaluated: 2025-10-09. Review status: criteria provided, single submitter. Criteria: Invitae Variant Classification Sherloc (09022015). Collection method: clinical testing. Allele origin: germline.
Comment: This sequence change replaces glycine, which is neutral and non-polar, with serine, which is neutral and polar, at codon 588 of the IGSF10 protein (p.Gly588Ser). This variant is present in population databases (rs144899743, gnomAD 0.05%). This variant has not been reported in the literature in individuals affected with IGSF10-related conditions. ClinVar contains an entry for this variant (Variation ID: 4037884). An algorithm developed to predict the effect of missense changes on protein structure and function (PolyPhen-2) suggests that this variant is likely to be disruptive. In summary, the available evidence is currently insufficient to determine the role of this variant in disease. Therefore, it has been classified as a Variant of Uncertain Significance.

Ambry Genetics
Classification: Uncertain significance. Last evaluated: 2025-06-10. Review status: criteria provided, single submitter. Criteria: Ambry Variant Classification Scheme 2023. Collection method: clinical testing. Allele origin: germline.

NM_178822.5(IGSF10):c.1762G>A (p.Gly588Ser)

Gene: IGSF10 (immunoglobulin superfamily member 10; minus strand). Cytogenetic location: 3q25.1.
Variant type: single nucleotide variant.
Coding change: c.1762G>A on transcript NM_178822.5 (MANE Select); coding-DNA position 1762, G replaced by A.
Protein change: p.Gly588Ser; replaces glycine 588 with serine.
Molecular consequence: missense variant.
Genome position (GRCh38, 1-based): chr3:151,448,219, C>T on the plus strand (G>A on the coding strand, the complement: IGSF10 is on the minus strand). VCF-style: chr3-151448219-C-T. GRCh37 (hg19) VCF-style: chr3-151166007-C-T.
Other names: c.1762G>A, p.Gly588Ser (NM_001385060.1, NM_001385061.1, NM_001385062.1 and 1 more transcripts); short protein forms G588S.
Identifiers: ClinVar variation 4037884 (VCV004037884.2).